The following is an entry in ClinVar:

NM_018480.7(TMEM126B):c.241del (p.Thr81fs)

Gene: TMEM126B (transmembrane protein 126B; plus strand). Cytogenetic location: 11q14.1.
Variant type: Deletion.
Coding change: c.241del on transcript NM_018480.7 (MANE Select); coding-DNA position 241, one base deleted (A; older notation c.241delA).
Protein change: p.Thr81fs; shifts the reading frame from threonine 81.
Molecular consequence: frameshift variant. On other transcripts: non-coding transcript variant (2).
Genome position (GRCh38, 1-based): chr11:85,634,123, A deleted; the last of 2 consecutive A bases (chr11:85,634,122-85,634,123); deleting either gives the same sequence. VCF-style (leftmost placement, unchanged base first): chr11-85634121-CA-C. GRCh37 (hg19) VCF-style: chr11-85345165-CA-C.
Other names: c.181del, p.Thr61fs (NM_001193537.3, NM_001350395.2); c.151del, p.Thr51fs (NM_001193538.3, NM_001256546.2, NM_001350396.2); c.103del, p.Thr35fs (NM_001256547.2); c.119del, p.Asn40fs (NM_001350393.1); c.241del, p.Thr81fs (NM_001350394.2); c.241delA (NM_018480.7); short protein forms N40fs, T35fs, T51fs, T61fs, T81fs.
Identifiers: ClinVar variation 1431700 (VCV001431700.8), dbSNP rs1261676471, ClinGen allele CA600719002.

ClinVar aggregate classification (germline): Pathogenic/Likely pathogenic. Review status: criteria provided, multiple submitters, no conflicts (2 of 4 stars). 3 submissions from 3 submitters: Pathogenic (2); Likely pathogenic (1). Last evaluated 2025-10-23.

Conditions:
Mitochondrial complex I deficiency, nuclear type 29. Also called: Mitochondrial complex 1 deficiency, nuclear type 29. Identifiers: MedGen C4748830, MONDO:0032633, OMIM 618250.
TMEM126B-related disorder. Also called: TMEM126B-related condition.

Submissions (3):

Women's Health and Genetics/Laboratory Corporation of America, LabCorp
Classification: Pathogenic for Mitochondrial complex I deficiency, nuclear type 29. Last evaluated: 2025-10-23. Review status: criteria provided, single submitter. Criteria: LabCorp Variant Classification Summary - May 2015. Collection method: clinical testing. Allele origin: germline.
Comment: Variant summary: TMEM126B c.241delA (p.Thr81GlnfsX24) results in a premature termination codon, predicted to cause a truncation of the encoded protein or absence of the protein due to nonsense mediated decay, which are commonly known mechanisms for disease. The variant allele was found at a frequency of 4e-06 in 250506 control chromosomes. To our knowledge, no occurrence of c.241delA in individuals affected with TMEM126B-related conditions and no experimental evidence demonstrating its impact on protein function have been reported. ClinVar contains an entry for this variant (Variation ID: 1431700). Based on the evidence outlined above, the variant was classified as pathogenic.

Labcorp Genetics (formerly Invitae), Labcorp
Classification: Pathogenic. Last evaluated: 2025-07-10. Review status: criteria provided, single submitter. Criteria: Invitae Variant Classification Sherloc (09022015). Collection method: clinical testing. Allele origin: germline.
Comment: This sequence change creates a premature translational stop signal (p.Thr81Glnfs*24) in the TMEM126B gene. It is expected to result in an absent or disrupted protein product. Loss-of-function variants in TMEM126B are known to be pathogenic (PMID: 27374774). This variant is present in population databases (no rsID available, gnomAD 0.0009%). This variant has not been reported in the literature in individuals affected with TMEM126B-related conditions. ClinVar contains an entry for this variant (Variation ID: 1431700). For these reasons, this variant has been classified as Pathogenic.

Blueprint Genetics
Classification: Likely pathogenic for TMEM126B-related disorders. Last evaluated: 2024-06-26. Review status: criteria provided, single submitter. Criteria: ACMG Guidelines, 2015. Collection method: clinical testing. Allele origin: germline. Affected: yes. Observed: 2 variant alleles.

Literature cited by the submitters: PubMed 27374774 (cited by Labcorp Genetics (formerly Invitae), Labcorp).